The following is an entry in ClinVar:

ClinVar aggregate classification (germline): Uncertain significance (1 of 4 stars; one submission).

Conditions:
Epilepsy, familial focal, with variable foci 3 (FFEVF3). Identifiers: MedGen C4310708, MONDO:0014925, OMIM 617118.

Submission:

Labcorp Genetics (formerly Invitae), Labcorp
Classification: Uncertain significance for Epilepsy, familial focal, with variable foci 3. Last evaluated: 2022-06-15. Review status: criteria provided, single submitter. Criteria: Invitae Variant Classification Sherloc (09022015). Collection method: clinical testing. Allele origin: germline.
Comment: In summary, the available evidence is currently insufficient to determine the role of this variant in disease. Therefore, it has been classified as a Variant of Uncertain Significance. This variant has not been reported in the literature in individuals affected with NPRL3-related conditions. This variant results in a copy number gain of the genomic region encompassing exon(s) 5-9 of the NPRL3 gene. While the exact position of this variant cannot be determined from the data, sub-genic copy number gains are generally in tandem (PMID: 25640679). This variant is predicted to be in-frame, and likely preserves the integrity of the reading frame.

Literature cited by the submitters: PubMed 25640679.

NC_000016.9:g.(?_148123)_(167394_?)dup

Gene: NPRL3 (NPR3 like, GATOR1 complex subunit; minus strand). Cytogenetic location: 16p13.3.
Variant type: Duplication.
Identifiers: ClinVar variation 1035532 (VCV001035532.6).